The following is an entry in ClinVar:

NM_004380.3(CREBBP):c.2586G>A (p.Thr862=)

Gene: CREBBP (CREB binding lysine acetyltransferase; minus strand). Cytogenetic location: 16p13.3.
Variant type: single nucleotide variant.
Coding change: c.2586G>A on transcript NM_004380.3 (MANE Select); coding-DNA position 2586, G replaced by A.
Protein change: p.Thr862=; no amino-acid change (threonine 862 retained).
Molecular consequence: synonymous variant.
Genome position (GRCh38, 1-based): chr16:3,770,864, C>T on the plus strand (G>A on the coding strand, the complement: CREBBP is on the minus strand). VCF-style: chr16-3770864-C-T. GRCh37 (hg19) VCF-style: chr16-3820865-C-T.
Other names: c.2472G>A, p.Thr824= (NM_001079846.1).
Identifiers: ClinVar variation 1686674 (VCV001686674.3), dbSNP rs1432397419, ClinGen allele CA493395121.

ClinVar aggregate classification (germline): Uncertain significance (1 of 4 stars; one submission).

Allele frequency attached by ClinVar (database versions not stated): gnomAD 0.00001.

Submission:

GeneDx
Classification: Uncertain significance. Last evaluated: 2024-05-17. Review status: criteria provided, single submitter. Criteria: GeneDx Variant Classification Process June 2021. Collection method: clinical testing. Allele origin: germline.
Comment: Not observed at significant frequency in large population cohorts (gnomAD); Has not been previously published as pathogenic or benign to our knowledge; In silico analysis suggests this variant may impact gene splicing. In the absence of RNA/functional studies, the actual effect of this sequence change is unknown.